The following is an entry in ClinVar:

NM_002775.5(HTRA1):c.126G>A (p.Glu42=)

Gene: HTRA1 (HtrA serine peptidase 1; plus strand). Cytogenetic location: 10q26.13.
Variant type: single nucleotide variant.
Coding change: c.126G>A on transcript NM_002775.5 (MANE Select); coding-DNA position 126, G replaced by A.
Protein change: p.Glu42=; no amino-acid change (glutamic acid 42 retained).
Molecular consequence: synonymous variant.
Genome position (GRCh38, 1-based): chr10:122,461,778, G>A. VCF-style: chr10-122461778-G-A. GRCh37 (hg19) VCF-style: chr10-124221294-G-A.
Identifiers: ClinVar variation 1694572 (VCV001694572.32), dbSNP rs2133905058, ClinGen allele CA471745555.

ClinVar aggregate classification (germline): Likely benign. Review status: criteria provided, multiple submitters, no conflicts (2 of 4 stars). 2 submissions from 2 submitters: Likely benign (2). Last evaluated 2026-01-14.

Allele frequency attached by ClinVar (database versions not stated): gnomAD exomes 0.00001.
gnomAD v4.1: 1 of 1,051,652 alleles (0.000095%); highest among the groups gnomAD compares: Non-Finnish European, 0.00011%; no homozygotes.

Submissions (2):

Labcorp Genetics (formerly Invitae), Labcorp
Classification: Likely benign. Last evaluated: 2026-01-14. Review status: criteria provided, single submitter. Criteria: Invitae Variant Classification Sherloc (09022015). Collection method: clinical testing. Allele origin: germline.

CeGaT Center for Human Genetics Tuebingen
Classification: Likely benign. Last evaluated: 2022-06-01. Review status: criteria provided, single submitter. Criteria: CeGaT Center For Human Genetics Tuebingen Variant Classification Criteria Version 2. Collection method: clinical testing. Allele origin: germline. Affected: yes. Observed: 1 variant allele.
Comment: HTRA1: PM2:Supporting, BP4, BP7